The following is an entry in ClinVar:

ClinVar aggregate classification (germline): Likely pathogenic (1 of 4 stars; one submission).

Conditions:
Cardiovascular phenotype. Identifiers: MedGen CN230736.

Submission:

Ambry Genetics
Classification: Likely pathogenic for Cardiovascular phenotype. Last evaluated: 2015-11-18. Review status: criteria provided, single submitter. Criteria: Ambry Variant Classification Scheme 2023. Collection method: clinical testing. Allele origin: germline.
Comment: The c.313+2T>C intronic variant results from a T to C substitution two nucleotides downstream of coding exon 2 in the ACVRL1 gene. This variant was not reported in population based cohorts in the following databases: Database of Single Nucleotide Polymorphisms (dbSNP), NHLBI Exome Sequencing Project (ESP), and 1000 Genomes Project. In the ESP, this variant was not observed in 6502 samples (13004 alleles) with coverage at this position. Alterations that disrupt the canonical splice donor site are typically deleterious in nature (ACMG Recommendations for Standards for Interpretation and Reporting of Sequence Variations. Revision 2007. Genet Med. 2008;10:294). Based on the majority of available evidence to date, this variant is likely to be pathogenic.

NM_000020.3(ACVRL1):c.313+2T>C

Gene: ACVRL1 (activin A receptor like type 1; plus strand). Cytogenetic location: 12q13.13.
Variant type: single nucleotide variant.
Coding change: c.313+2T>C on transcript NM_000020.3 (MANE Select); the canonical splice donor site of the intron after coding-DNA position 313, T replaced by C.
Molecular consequence: splice donor variant. On other transcripts: intron variant (1).
Genome position (GRCh38, 1-based): chr12:51,913,352, T>C. VCF-style: chr12-51913352-T-C. GRCh37 (hg19) VCF-style: chr12-52307136-T-C.
Other names: c.313+2T>C (NM_001406487.1, NM_001406491.1, NM_001406488.1 and 6 more transcripts); c.61+817T>C (NM_001406495.1).
Identifiers: ClinVar variation 1727957 (VCV001727957.2), dbSNP rs2540159380, ClinGen allele CA384898148.